The following is an entry in ClinVar:

NM_000260.4(MYO7A):c.6356A>C (p.Gln2119Pro)

Gene: MYO7A (myosin VIIA; plus strand). Cytogenetic location: 11q13.5.
Variant type: single nucleotide variant.
Coding change: c.6356A>C on transcript NM_000260.4 (MANE Select); coding-DNA position 6356, A replaced by C.
Protein change: p.Gln2119Pro; replaces glutamine 2119 with proline.
Molecular consequence: missense variant.
Genome position (GRCh38, 1-based): chr11:77,212,953, A>C. VCF-style: chr11-77212953-A-C. GRCh37 (hg19) VCF-style: chr11-76923998-A-C.
Other names: c.6236A>C, p.Gln2079Pro (NM_001127180.2); c.6209A>C, p.Gln2070Pro (NM_001369365.1); short protein forms Q2079P, Q2119P, Q2070P.
Identifiers: ClinVar variation 666887 (VCV000666887.5), dbSNP rs1029122324, ClinGen allele CA381937459.

ClinVar aggregate classification (germline): Uncertain significance (1 of 4 stars; one submission).

Submission:

Laboratory for Molecular Medicine, Mass General Brigham Personalized Medicine
Classification: Uncertain significance. Last evaluated: 2019-02-15. Review status: criteria provided, single submitter. Criteria: LMM Criteria. Collection method: clinical testing. Allele origin: germline. Observed: 2 variant alleles.
Comment: Variant classified as Uncertain Significance - Favor Pathogenic. This variant was absent from large population studies. Computational prediction tools and conservation analysis suggest that this variant may impact the protein, though this information is not predictive enough to determine pathogenicity. In summary, while there is some suspicion for a pathogenic role, the clinical significance of the p.Gln2119Pro variant is uncertain. ACMG/AMP Criteria applied: PM2, PM3, PP3.